The following is an entry in ClinVar:

NM_020461.4(TUBGCP6):c.2064del (p.Ser688fs)

Gene: TUBGCP6 (tubulin gamma complex component 6; minus strand). Cytogenetic location: 22q13.33.
Variant type: Deletion.
Coding change: c.2064del on transcript NM_020461.4 (MANE Select); coding-DNA position 2064, one base deleted (T; older notation c.2064delT).
Protein change: p.Ser688fs; shifts the reading frame from serine 688.
Molecular consequence: frameshift variant.
Genome position (GRCh38, 1-based): chr22:50,224,512, A deleted on the plus strand (T on the coding strand, the reverse complement: TUBGCP6 is on the minus strand). VCF-style (leftmost placement, unchanged base first): chr22-50224511-CA-C. GRCh37 (hg19) VCF-style: chr22-50662940-CA-C.
Other names: short protein forms S688fs.
Identifiers: ClinVar variation 1457375 (VCV001457375.6), dbSNP rs2147185386, ClinGen allele CA2573158238.

ClinVar aggregate classification (germline): Pathogenic (1 of 4 stars; one submission).

Allele frequency attached by ClinVar (database versions not stated): gnomAD exomes below 0.00001.

Submission:

Labcorp Genetics (formerly Invitae), Labcorp
Classification: Pathogenic. Last evaluated: 2024-04-25. Review status: criteria provided, single submitter. Criteria: Invitae Variant Classification Sherloc (09022015). Collection method: clinical testing. Allele origin: germline.
Comment: This sequence change creates a premature translational stop signal (p.Ser688Argfs*22) in the TUBGCP6 gene. It is expected to result in an absent or disrupted protein product. Loss-of-function variants in TUBGCP6 are known to be pathogenic (PMID: 25344692). This variant is not present in population databases (gnomAD no frequency). This variant has not been reported in the literature in individuals affected with TUBGCP6-related conditions. ClinVar contains an entry for this variant (Variation ID: 1457375). For these reasons, this variant has been classified as Pathogenic.

Literature cited by the submitters: PubMed 25344692.